The following is an entry in ClinVar:

NM_006922.4(SCN3A):c.3486C>A (p.Asp1162Glu)

Gene: SCN3A (sodium voltage-gated channel alpha subunit 3; minus strand). Cytogenetic location: 2q24.3.
Variant type: single nucleotide variant.
Coding change: c.3486C>A on transcript NM_006922.4 (MANE Select); coding-DNA position 3486, C replaced by A.
Protein change: p.Asp1162Glu; replaces aspartic acid 1162 with glutamic acid.
Molecular consequence: missense variant.
Genome position (GRCh38, 1-based): chr2:165,115,483, G>T on the plus strand (C>A on the coding strand, the complement: SCN3A is on the minus strand). VCF-style: chr2-165115483-G-T. GRCh37 (hg19) VCF-style: chr2-165971993-G-T.
Other names: c.3339C>A, p.Asp1113Glu (NM_001081677.2, NM_001081676.2); short protein forms D1113E, D1162E.
Identifiers: ClinVar variation 2904559 (VCV002904559.3), dbSNP rs1254748152, ClinGen allele CA349035649.
Genomic context (GRCh38, chr2:165,115,483, plus strand): 5'-GATTGTATTTAATCACATCAGAGCTTGTTTACCTTCAGTAAAACAAGCTTCCGGTTTAAG[G>T]TCTTCTTCGGGTTCAGTTTCAGCTTGTTCACCTTCTCGGGGTAGAACAACATCAACTGTG-3'
Protein context (NP_008853.3, residues 1152-1172): GEQAETEPEE[Asp1162Glu]LKPEACFTEG

ClinVar aggregate classification (germline): Uncertain significance (1 of 4 stars; one submission).

Allele frequency attached by ClinVar (database versions not stated): gnomAD exomes below 0.00001.
gnomAD v4.1: 5 of 1,613,650 alleles (0.00031%); highest among the groups gnomAD compares: Middle Eastern, 0.033%; no homozygotes.

Submission:

Labcorp Genetics (formerly Invitae), Labcorp
Classification: Uncertain significance. Last evaluated: 2024-09-01. Review status: criteria provided, single submitter. Criteria: Invitae Variant Classification Sherloc (09022015). Collection method: clinical testing. Allele origin: germline.
Comment: This sequence change replaces aspartic acid, which is acidic and polar, with glutamic acid, which is acidic and polar, at codon 1162 of the SCN3A protein (p.Asp1162Glu). This variant is present in population databases (no rsID available, gnomAD 0.0009%). This variant has not been reported in the literature in individuals affected with SCN3A-related conditions. Invitae Evidence Modeling of protein sequence and biophysical properties (such as structural, functional, and spatial information, amino acid conservation, physicochemical variation, residue mobility, and thermodynamic stability) indicates that this missense variant is not expected to disrupt SCN3A protein function with a negative predictive value of 95%. In summary, the available evidence is currently insufficient to determine the role of this variant in disease. Therefore, it has been classified as a Variant of Uncertain Significance.